The following is an entry in ClinVar:

ClinVar aggregate classification (germline): Uncertain significance. Review status: criteria provided, multiple submitters, no conflicts (2 of 4 stars). 2 submissions from 2 submitters: Uncertain significance (2). Last evaluated 2025-11-12.

Conditions:
Hereditary cancer-predisposing syndrome. Also called: Tumor predisposition; Hereditary Cancer Syndrome; Hereditary neoplastic syndrome; Neoplastic Syndromes, Hereditary. Identifiers: Orphanet 140162, MedGen C0027672, MeSH D009386, MONDO:0015356.
Familial adenomatous polyposis 1 (FAP1). Also called: FAMILIAL ADENOMATOUS POLYPOSIS 1, ATTENUATED; POLYPOSIS, ADENOMATOUS INTESTINAL. Identifiers: MedGen C2713442, MONDO:0021056, OMIM 175100. Disease mechanism: loss of function.

Submissions (2):

Ambry Genetics
Classification: Uncertain significance for Hereditary cancer-predisposing syndrome. Last evaluated: 2025-11-12. Review status: criteria provided, single submitter. Criteria: Ambry Variant Classification Scheme 2023. Collection method: clinical testing. Allele origin: germline.
Comment: The p.D7G variant (also known as c.20A>G), located in coding exon 1 of the APC gene, results from an A to G substitution at nucleotide position 20. The aspartic acid at codon 7 is replaced by glycine, an amino acid with similar properties. This amino acid position is highly conserved in available vertebrate species. In addition, in silico predictors for this gene do not accurately predict pathogenicity. Missense variants in APC are not a common cause of disease (Spier I et al. Genet Med. 2024 Feb;26(2):100992). Based on the available evidence, the clinical significance of this variant remains unclear.

Labcorp Genetics (formerly Invitae), Labcorp
Classification: Uncertain significance for Familial adenomatous polyposis 1. Last evaluated: 2016-08-18. Review status: criteria provided, single submitter. Criteria: Invitae Variant Classification Sherloc (09022015). Collection method: clinical testing. Allele origin: germline.
Comment: In summary, this variant is a novel missense change with uncertain impact on protein function. It has been classified as a Variant of Uncertain Significance. Algorithms developed to predict the effect of sequence changes on mRNA splicing suggest that this variant may alter RNA splicing, but this prediction has not been confirmed by published transcriptional studies. Algorithms developed to predict the effect of missense changes on protein structure and function do not agree on the potential impact of this missense change (SIFT: "Tolerated"; PolyPhen-2: "Probably Damaging"; Align-GVGD: "Class C0"). This variant is not present in population databases (ExAC no frequency) and has not been reported in the literature in individuals with a APC-related disease. This sequence change replaces aspartic acid with glycine at codon 7 of the APC protein (p.Asp7Gly). The aspartic acid residue is highly conserved and there is a moderate physicochemical difference between aspartic acid and glycine.

NM_000038.6(APC):c.20A>G (p.Asp7Gly)

Gene: APC (APC regulator of Wnt signaling pathway; plus strand). Cytogenetic location: 5q22.2.
Variant type: single nucleotide variant.
Coding change: c.20A>G on transcript NM_000038.6 (MANE Select); coding-DNA position 20, A replaced by G.
Protein change: p.Asp7Gly; replaces aspartic acid 7 with glycine.
Molecular consequence: missense variant. On other transcripts: 5 prime UTR variant (1), intron variant (8).
Genome position (GRCh38, 1-based): chr5:112,754,910, A>G. VCF-style: chr5-112754910-A-G. GRCh37 (hg19) VCF-style: chr5-112090607-A-G.
Other names: c.20A>G, p.Asp7Gly (NM_001127510.3, NM_001354895.2, NM_001354896.2 and 2 more transcripts); c.-1016A>G (NM_001354906.2); c.166-11416A>G (NM_001354897.2, NM_001354902.2, NM_001127511.3); c.61-11416A>G (NM_001354898.2, NM_001354904.2); c.-42-11416A>G (NM_001354900.2, NM_001354901.2, NM_001354905.2); short protein forms D7G.
Identifiers: ClinVar variation 411423 (VCV000411423.50), dbSNP rs1060503296, ClinGen allele CA16021377.